The following is an entry in ClinVar:

NM_001382273.1(TNK2):c.1125A>C (p.Arg375Ser)

Gene: TNK2 (tyrosine kinase non receptor 2; minus strand). Cytogenetic location: 3q29.
Variant type: single nucleotide variant.
Coding change: c.1125A>C on transcript NM_001382273.1 (MANE Select); coding-DNA position 1125, A replaced by C.
Protein change: p.Arg375Ser; replaces arginine 375 with serine.
Molecular consequence: missense variant. On other transcripts: non-coding transcript variant (15).
Genome position (GRCh38, 1-based): chr3:195,878,482, T>G on the plus strand (A>C on the coding strand, the complement: TNK2 is on the minus strand). VCF-style: chr3-195878482-T-G. GRCh37 (hg19) VCF-style: chr3-195605353-T-G.
Other names: c.1197A>C, p.Arg399Ser (NM_001010938.2, NM_001382272.1, NM_001387715.1 and 1 more transcripts); c.1221A>C, p.Arg407Ser (NM_001308046.2, NM_001382271.1, NM_001382275.1 and 1 more transcripts); c.1125A>C, p.Arg375Ser (NM_001387714.1, NM_001387716.1, NM_001387717.1 and 12 more transcripts); c.1314A>C (NM_001010938.1); short protein forms R375S, R407S, R399S.
Identifiers: ClinVar variation 1374165 (VCV001374165.7), dbSNP rs200483577, ClinGen allele CA2776596.
Genomic context (GRCh38, chr3:195,878,482, plus strand): 5'-CTCCTGGGCTGACCTGTCCCTCACCTCCAGCAGGAAGTCCCGCAGGGCCACAAACGTGGG[T>G]CTGTCCTCTGGCTTGTGAGCCCAGCACTGGACCATGACGTTGTAGATGTCCTGGGGACAG-3'
Protein context (NP_001369202.1, residues 365-385): VQCWAHKPED[Arg375Ser]PTFVALRDFL

ClinVar aggregate classification (germline): Uncertain significance. Review status: criteria provided, multiple submitters, no conflicts (2 of 4 stars). 2 submissions from 2 submitters: Uncertain significance (2). Last evaluated 2023-12-18.

Allele frequency attached by ClinVar (database versions not stated): gnomAD exomes below 0.00001; ExAC 0.00001; gnomAD 0.00004 and 0.00005; TOPMed 0.00009; 1000 Genomes Project 0.00020; 1000 Genomes Project 30x 0.00031.
gnomAD v4.1: 12 of 1,613,934 alleles (0.00074%); highest among the groups gnomAD compares: Admixed American, 0.013%; no homozygotes.

Submissions (2):

Ambry Genetics
Classification: Uncertain significance. Last evaluated: 2023-12-18. Review status: criteria provided, single submitter. Criteria: Ambry Variant Classification Scheme 2023. Collection method: clinical testing. Allele origin: germline.

Labcorp Genetics (formerly Invitae), Labcorp
Classification: Uncertain significance. Last evaluated: 2021-08-25. Review status: criteria provided, single submitter. Criteria: Invitae Variant Classification Sherloc (09022015). Collection method: clinical testing. Allele origin: germline.
Comment: In summary, the available evidence is currently insufficient to determine the role of this variant in disease. Therefore, it has been classified as a Variant of Uncertain Significance. Algorithms developed to predict the effect of missense changes on protein structure and function (SIFT, PolyPhen-2, Align-GVGD) all suggest that this variant is likely to be disruptive. This variant has not been reported in the literature in individuals affected with TNK2-related conditions. This variant is present in population databases (rs200483577, ExAC 0.009%). This sequence change replaces arginine with serine at codon 438 of the TNK2 protein (p.Arg438Ser). The arginine residue is highly conserved and there is a moderate physicochemical difference between arginine and serine.